The following is an entry in ClinVar:

ClinVar aggregate classification (germline): Uncertain significance. Review status: criteria provided, multiple submitters, no conflicts (2 of 4 stars). 2 submissions from 2 submitters: Uncertain significance (2). Last evaluated 2024-12-12.

Conditions:
Anemia, nonspherocytic hemolytic, due to G6PD deficiency (CNSHA1). Also called: Hemolytic anemia due to G6PD deficiency; ANEMIA, CONGENITAL, NONSPHEROCYTIC HEMOLYTIC, 1; Class I glucose-6-phosphate dehydrogenase deficiency; Favism, susceptibility to. Identifiers: Orphanet 466026, MedGen C2720289, MONDO:0010480, OMIM 300908.

Submissions (2):

ARUP Laboratories, Molecular Genetics and Genomics, ARUP Laboratories
Classification: Uncertain significance. Last evaluated: 2024-12-12. Review status: criteria provided, single submitter. Criteria: ARUP Molecular Germline Variant Investigation Process 2024. Collection method: clinical testing. Allele origin: germline.
Comment: The G6PD c.1211T>C; p.Met404Thr variant, to our knowledge, is not reported in the medical literature or gene specific databases. This variant is also absent from the Genome Aggregation Database (v2.1.1), indicating it is not a common polymorphism. Computational analyses predict that this variant is deleterious (REVEL: 0.908). However, given the lack of clinical and functional data, the significance of this variant is uncertain at this time.

Labcorp Genetics (formerly Invitae), Labcorp
Classification: Uncertain significance for Anemia, nonspherocytic hemolytic, due to G6PD deficiency. Last evaluated: 2024-03-26. Review status: criteria provided, single submitter. Criteria: Invitae Variant Classification Sherloc (09022015). Collection method: clinical testing. Allele origin: germline.
Comment: This sequence change replaces methionine, which is neutral and non-polar, with threonine, which is neutral and polar, at codon 404 of the G6PD protein (p.Met404Thr). This variant is not present in population databases (gnomAD no frequency). This variant has not been reported in the literature in individuals affected with G6PD-related conditions. Advanced modeling of protein sequence and biophysical properties (such as structural, functional, and spatial information, amino acid conservation, physicochemical variation, residue mobility, and thermodynamic stability) performed at Invitae indicates that this missense variant is expected to disrupt G6PD protein function with a positive predictive value of 95%. In summary, the available evidence is currently insufficient to determine the role of this variant in disease. Therefore, it has been classified as a Variant of Uncertain Significance.

NM_001360016.2(G6PD):c.1211T>C (p.Met404Thr)

Gene: G6PD (glucose-6-phosphate dehydrogenase; minus strand). Cytogenetic location: Xq28.
Variant type: single nucleotide variant.
Coding change: c.1211T>C on transcript NM_001360016.2 (MANE Select); coding-DNA position 1211, T replaced by C.
Protein change: p.Met404Thr; replaces methionine 404 with threonine.
Molecular consequence: missense variant.
Genome position (GRCh38, 1-based): chrX:154,532,643, A>G on the plus strand (T>C on the coding strand, the complement: G6PD is on the minus strand). VCF-style: chrX-154532643-A-G. GRCh37 (hg19) VCF-style: chrX-153760858-A-G.
Other names: c.1301T>C, p.Met434Thr (NM_000402.4); c.1211T>C, p.Met404Thr (NM_001042351.3); short protein forms M434T, M404T.
Identifiers: ClinVar variation 3640043 (VCV003640043.3).
Genomic context (GRCh38, chrX:154,532,643, plus strand): 5'-TAGGTCAGGTCCAGCTCCGACTCCTCGGGGTTGAAGAACATGCCCGGCTTCTTGGTCATC[A>G]TCTTGGTGTACACGGCCTCGTTGGGCTGCACGCGGATCACCAGCTCGTTGCGCTTGCACT-3'
Protein context (NP_001346945.1, residues 394-414): VQPNEAVYTK[Met404Thr]MTKKPGMFFN